The following is an entry in ClinVar:

ClinVar aggregate classification (germline): Uncertain significance. Review status: criteria provided, multiple submitters, no conflicts (2 of 4 stars). 2 submissions from 2 submitters: Uncertain significance (2). Last evaluated 2025-04-09.

Conditions:
Autosomal dominant hypocalcemia 1 (HYPOC1). Also called: HYPOCALCEMIA, FAMILIAL. Identifiers: MedGen C3715128, MONDO:0011013, OMIM 601198.
Familial hypocalciuric hypercalcemia (FHH). Also called: Familial benign hypercalcemia. Identifiers: Orphanet 405, MedGen C1809471, MONDO:0018458.

gnomAD v4.1: 2 of 1,613,828 alleles (0.00012%); highest among the groups gnomAD compares: Non-Finnish European, 0.00017%; no homozygotes.

Submissions (2):

Women's Health and Genetics/Laboratory Corporation of America, LabCorp
Classification: Uncertain significance. Last evaluated: 2025-04-09. Review status: criteria provided, single submitter. Criteria: LabCorp Variant Classification Summary - May 2015. Collection method: clinical testing. Allele origin: germline.
Comment: Variant summary: CASR c.2474A>G (p.Tyr825Cys) results in a non-conservative amino acid change in the encoded protein sequence. Five of five in-silico tools predict a damaging effect of the variant on protein function. The variant allele was found at a frequency of 4e-06 in 251238 control chromosomes. The available data on variant occurrences in the general population are insufficient to allow any conclusion about variant significance. To our knowledge, no occurrence of c.2474A>G in individuals affected with Autosomal Dominant Hypocalcemia and no experimental evidence demonstrating its impact on protein function have been reported. ClinVar contains an entry for this variant (Variation ID: 3751545). Based on the evidence outlined above, the variant was classified as uncertain significance.

Labcorp Genetics (formerly Invitae), Labcorp
Classification: Uncertain significance for Familial hypocalciuric hypercalcemia; Autosomal dominant hypocalcemia 1. Last evaluated: 2025-01-23. Review status: criteria provided, single submitter. Criteria: Invitae Variant Classification Sherloc (09022015). Collection method: clinical testing. Allele origin: germline.
Comment: This sequence change replaces tyrosine, which is neutral and polar, with cysteine, which is neutral and slightly polar, at codon 825 of the CASR protein (p.Tyr825Cys). This variant is present in population databases (rs775380024, gnomAD 0.0009%). This variant has not been reported in the literature in individuals affected with CASR-related conditions. An algorithm developed to predict the effect of missense changes on protein structure and function (PolyPhen-2) suggests that this variant is likely to be disruptive. In summary, the available evidence is currently insufficient to determine the role of this variant in disease. Therefore, it has been classified as a Variant of Uncertain Significance.

NM_000388.4(CASR):c.2474A>G (p.Tyr825Cys)

Gene: CASR (calcium sensing receptor; plus strand). Cytogenetic location: 3q21.1.
Variant type: single nucleotide variant.
Coding change: c.2474A>G on transcript NM_000388.4 (MANE Select); coding-DNA position 2474, A replaced by G.
Protein change: p.Tyr825Cys; replaces tyrosine 825 with cysteine.
Molecular consequence: missense variant.
Genome position (GRCh38, 1-based): chr3:122,284,428, A>G. VCF-style: chr3-122284428-A-G. GRCh37 (hg19) VCF-style: chr3-122003275-A-G.
Other names: c.2504A>G, p.Tyr835Cys (NM_001178065.2); short protein forms Y825C, Y835C.
Identifiers: ClinVar variation 3751545 (VCV003751545.4).
Genomic context (GRCh38, chr3:122,284,428, plus strand): 5'-AGTTCATCACCTTCAGCATGCTCATCTTCTTCATCGTCTGGATCTCCTTCATTCCAGCCT[A>G]TGCCAGCACCTATGGCAAGTTTGTCTCTGCCGTAGAGGTGATTGCCATCCTGGCAGCCAG-3'
Protein context (NP_000379.3, residues 815-835): FIVWISFIPA[Tyr825Cys]ASTYGKFVSA